The following is an entry in ClinVar:

NM_004408.4(DNM1):c.43C>G (p.Arg15Gly)

Genes: CIZ1 (CDKN1A interacting zinc finger protein 1; minus strand), DNM1 (dynamin 1; plus strand). Cytogenetic location: 9q34.11.
Variant type: single nucleotide variant.
Coding change: c.43C>G on transcript NM_004408.4 (MANE Select); coding-DNA position 43, C replaced by G.
Protein change: p.Arg15Gly; replaces arginine 15 with glycine.
Molecular consequence: missense variant. On other transcripts: intron variant (2).
Genome position (GRCh38, 1-based): chr9:128,203,513, C>G. VCF-style: chr9-128203513-C-G. GRCh37 (hg19) VCF-style: chr9-130965792-C-G.
Other names: c.43C>G, p.Arg15Gly (NM_001005336.3, NM_001288737.2, NM_001288738.2 and 2 more transcripts); c.-6+673G>C (NM_001131015.2, NM_012127.3); short protein forms R15G.
Identifiers: ClinVar variation 1444460 (VCV001444460.7), dbSNP rs1320569379, ClinGen allele CA375006324.

ClinVar aggregate classification (germline): Uncertain significance (1 of 4 stars; one submission).

Conditions:
Developmental and epileptic encephalopathy, 31A. Also called: Epileptic encephalopathy, early infantile, 31; Developmental and epileptic encephalopathy, 31. Identifiers: Orphanet 2382, MedGen C4225357, MONDO:0014598, OMIM 616346.

Submission:

Labcorp Genetics (formerly Invitae), Labcorp
Classification: Uncertain significance for Developmental and epileptic encephalopathy, 31A. Last evaluated: 2022-06-20. Review status: criteria provided, single submitter. Criteria: Invitae Variant Classification Sherloc (09022015). Collection method: clinical testing. Allele origin: germline.
Comment: In summary, the available evidence is currently insufficient to determine the role of this variant in disease. Therefore, it has been classified as a Variant of Uncertain Significance. Algorithms developed to predict the effect of missense changes on protein structure and function are either unavailable or do not agree on the potential impact of this missense change (SIFT: "Deleterious"; PolyPhen-2: "Benign"; Align-GVGD: "Class C0"). This variant has not been reported in the literature in individuals affected with DNM1-related conditions. This variant is not present in population databases (gnomAD no frequency). This sequence change replaces arginine, which is basic and polar, with glycine, which is neutral and non-polar, at codon 15 of the DNM1 protein (p.Arg15Gly).